The following is an entry in ClinVar:

ClinVar aggregate classification (germline): Pathogenic (1 of 4 stars; one submission).

Conditions:
Deficiency of UDPglucose-hexose-1-phosphate uridylyltransferase. Also called: GALACTOSEMIA I; GALACTOSE-1-PHOSPHATE URIDYLYLTRANSFERASE DEFICIENCY; Transferase Deficiency Galactosemia; GALT deficiency; Galactosemia, classic. Identifiers: Orphanet 352, Orphanet 79239, MedGen C0268151, MONDO:0009258, OMIM 230400.

Submission:

Labcorp Genetics (formerly Invitae), Labcorp
Classification: Pathogenic for Deficiency of UDPglucose-hexose-1-phosphate uridylyltransferase. Last evaluated: 2021-11-28. Review status: criteria provided, single submitter. Criteria: Invitae Variant Classification Sherloc (09022015). Collection method: clinical testing. Allele origin: germline.
Comment: A gross deletion of the genomic region encompassing the full coding sequence of the GALT gene has been identified. Loss-of-function variants in GALT are known to be pathogenic (PMID: 22944367). The boundaries of this event are unknown as they extend beyond the assayed region for this gene and therefore may encompass additional genes. A similar copy number variant has been observed in individuals with galactosemia (PMID: 11286505, 15841485, 17079880). For these reasons, this variant has been classified as Pathogenic.

Literature cited by the submitters: PubMed 22944367; PubMed 11286505; PubMed 15841485; PubMed 17079880.

NC_000009.11:g.(?_34646573)_(34650446_?)del

Gene: GALT (galactose-1-phosphate uridylyltransferase; plus strand). Cytogenetic location: 9p13.3.
Variant type: Deletion.
Identifiers: ClinVar variation 1457165 (VCV001457165.1).